The following is an entry in ClinVar:

ClinVar aggregate classification (germline): Uncertain significance. Review status: criteria provided, multiple submitters, no conflicts (2 of 4 stars). 2 submissions from 2 submitters: Uncertain significance (2). Last evaluated 2024-06-17.

Conditions:
Familial meningioma. Also called: Meningioma, familial, susceptibility to. Identifiers: Orphanet 263662, MedGen C3551915, MONDO:0011789, OMIM 607174.
Hereditary cancer-predisposing syndrome. Also called: Tumor predisposition; Hereditary neoplastic syndrome; Hereditary Cancer Syndrome; Neoplastic Syndromes, Hereditary. Identifiers: Orphanet 140162, MedGen C0027672, MeSH D009386, MONDO:0015356.

Submissions (2):

Ambry Genetics
Classification: Uncertain significance for Hereditary cancer-predisposing syndrome. Last evaluated: 2024-06-17. Review status: criteria provided, single submitter. Criteria: Ambry Variant Classification Scheme 2023. Collection method: clinical testing. Allele origin: germline.
Comment: The p.D183N variant (also known as c.547G>A), located in coding exon 7 of the SMARCE1 gene, results from a G to A substitution at nucleotide position 547. The aspartic acid at codon 183 is replaced by asparagine, an amino acid with highly similar properties. This amino acid position is highly conserved in available vertebrate species. In addition, this alteration is predicted to be tolerated by in silico analysis. This variant has been detected in multiple individuals with no reported features of Coffin-Siris syndrome(Ambry internal data). Based on the supporting evidence, the association of this alteration with an increased risk of meningiomas is unknown; however, the association of this alteration with Coffin-Siris syndrome is unlikely.

Labcorp Genetics (formerly Invitae), Labcorp
Classification: Uncertain significance for Familial meningioma. Last evaluated: 2023-01-12. Review status: criteria provided, single submitter. Criteria: Invitae Variant Classification Sherloc (09022015). Collection method: clinical testing. Allele origin: germline.
Comment: In summary, the available evidence is currently insufficient to determine the role of this variant in disease. Therefore, it has been classified as a Variant of Uncertain Significance. Algorithms developed to predict the effect of sequence changes on RNA splicing suggest that this variant may create or strengthen a splice site. Advanced modeling of protein sequence and biophysical properties (such as structural, functional, and spatial information, amino acid conservation, physicochemical variation, residue mobility, and thermodynamic stability) performed at Invitae indicates that this missense variant is expected to disrupt SMARCE1 protein function. ClinVar contains an entry for this variant (Variation ID: 935632). This variant has not been reported in the literature in individuals affected with SMARCE1-related conditions. This variant is not present in population databases (gnomAD no frequency). This sequence change replaces aspartic acid, which is acidic and polar, with asparagine, which is neutral and polar, at codon 183 of the SMARCE1 protein (p.Asp183Asn).

NM_003079.5(SMARCE1):c.547G>A (p.Asp183Asn)

Gene: SMARCE1 (SWI/SNF related BAF chromatin remodeling complex subunit E1; minus strand). Cytogenetic location: 17q21.2.
Variant type: single nucleotide variant.
Coding change: c.547G>A on transcript NM_003079.5 (MANE Select); coding-DNA position 547, G replaced by A.
Protein change: p.Asp183Asn; replaces aspartic acid 183 with asparagine.
Molecular consequence: missense variant.
Genome position (GRCh38, 1-based): chr17:40,632,362, C>T on the plus strand (G>A on the coding strand, the complement: SMARCE1 is on the minus strand). VCF-style: chr17-40632362-C-T. GRCh37 (hg19) VCF-style: chr17-38788614-C-T.
Other names: short protein forms D183N.
Identifiers: ClinVar variation 935632 (VCV000935632.13), dbSNP rs2037103551, ClinGen allele CA399364947.
Genomic context (GRCh38, chr17:40,632,362, plus strand): 5'-TGAGGCGGTGGTTTCTCTGGAAACGGGCGGTGGCTGTATGCTTCATTGAAAAGCCATCAT[C>T]ATAATCTGGAGTGAACAAATTGTTCTGGAAATCAGGTCACCAGTAACCATAAAAAGGAGT-3'
Protein context (NP_003070.3, residues 173-193): IQPAEDPDDY[Asp183Asn]DGFSMKHTAT